The following is an entry in ClinVar:

NM_004970.3(IGFALS):c.936C>A (p.Asp312Glu)

Gene: IGFALS (insulin like growth factor binding protein acid labile subunit; minus strand). Cytogenetic location: 16p13.3.
Variant type: single nucleotide variant.
Coding change: c.936C>A on transcript NM_004970.3 (MANE Select); coding-DNA position 936, C replaced by A.
Protein change: p.Asp312Glu; replaces aspartic acid 312 with glutamic acid.
Molecular consequence: missense variant. On other transcripts: non-coding transcript variant (1).
Genome position (GRCh38, 1-based): chr16:1,791,482, G>T on the plus strand (C>A on the coding strand, the complement: IGFALS is on the minus strand). VCF-style: chr16-1791482-G-T. GRCh37 (hg19) VCF-style: chr16-1841483-G-T.
Other names: c.1050C>A, p.Asp350Glu (NM_001146006.2); short protein forms D312E, D350E.
Identifiers: ClinVar variation 4082915 (VCV004082915.1).

ClinVar aggregate classification (germline): Uncertain significance (1 of 4 stars; one submission).

Submission:

GeneDx
Classification: Uncertain significance. Last evaluated: 2025-03-05. Review status: criteria provided, single submitter. Criteria: GeneDx Variant Classification Process June 2021. Collection method: clinical testing. Allele origin: germline. Affected: yes.
Comment: In silico analysis indicates that this missense variant does not alter protein structure/function; Has not been previously published as pathogenic or benign to our knowledge